The following is an entry in ClinVar:

NM_016955.4(SEPSECS):c.107_108insAA (p.Glu37fs)

Genes: SEPSECS (Sep (O-phosphoserine) tRNA:Sec (selenocysteine) tRNA synthase; minus strand), LOC129992330 (ATAC-STARR-seq lymphoblastoid silent region 15319; plus strand). Cytogenetic location: 4p15.2.
Variant type: Insertion.
Coding change: c.107_108insAA on transcript NM_016955.4 (MANE Select); coding-DNA positions 107 to 108, AA inserted.
Protein change: p.Glu37fs; shifts the reading frame from glutamic acid 37.
Molecular consequence: frameshift variant.
Genome position: GRCh38 VCF-style: chr4-25160262-C-CTT. GRCh37 (hg19) VCF-style: chr4-25161884-C-CTT.
Other names: short protein forms E37fs.
Identifiers: ClinVar variation 966647 (VCV000966647.8), dbSNP rs1030663609, ClinGen allele CA93588906.

ClinVar aggregate classification (germline): Pathogenic (1 of 4 stars; one submission).

Allele frequency attached by ClinVar (database versions not stated): TOPMed below 0.00001.

Submission:

Labcorp Genetics (formerly Invitae), Labcorp
Classification: Pathogenic. Last evaluated: 2019-11-11. Review status: criteria provided, single submitter. Criteria: Invitae Variant Classification Sherloc (09022015). Collection method: clinical testing. Allele origin: germline.
Comment: This sequence change creates a premature translational stop signal (p.Glu37Argfs*32) in the SEPSECS gene. It is expected to result in an absent or disrupted protein product. For these reasons, this variant has been classified as Pathogenic. Loss-of-function variants in SEPSECS are known to be pathogenic (PMID: 25558065, 25590979, 26115735). Algorithms developed to predict the effect of sequence changes on RNA splicing suggest that this variant may create or strengthen a splice site, but this prediction has not been confirmed by published transcriptional studies. This variant has not been reported in the literature in individuals with SEPSECS-related conditions. The frequency data for this variant in the population databases is considered unreliable, as metrics indicate insufficient coverage at this position in the ExAC database.

Literature cited by the submitters: PubMed 25558065; PubMed 25590979; PubMed 26115735.